The following is an entry in ClinVar:

NM_000352.6(ABCC8):c.813C>T (p.Asp271=)

Gene: ABCC8 (ATP binding cassette subfamily C member 8; minus strand). Cytogenetic location: 11p15.1.
Variant type: single nucleotide variant.
Coding change: c.813C>T on transcript NM_000352.6 (MANE Select); coding-DNA position 813, C replaced by T.
Protein change: p.Asp271=; no amino-acid change (aspartic acid 271 retained).
Molecular consequence: synonymous variant. On other transcripts: non-coding transcript variant (1).
Genome position (GRCh38, 1-based): chr11:17,461,592, G>A on the plus strand (C>T on the coding strand, the complement: ABCC8 is on the minus strand). VCF-style: chr11-17461592-G-A. GRCh37 (hg19) VCF-style: chr11-17483139-G-A.
Other names: c.813C>T, p.Asp271= (NM_001287174.3, NM_001351295.2, NM_001351296.2 and 1 more transcripts).
Identifiers: ClinVar variation 764674 (VCV000764674.14), dbSNP rs569222899, ClinGen allele CA5903772.

ClinVar aggregate classification (germline): Conflicting classifications of pathogenicity. Review status: criteria provided, conflicting classifications (1 of 4 stars). 4 submissions from 3 submitters: Uncertain significance (2); Likely benign (2). Last evaluated 2026-03-23.

Conditions:
Maturity-onset diabetes of the young (MODY). Also called: Maturity onset diabetes mellitus in young. Identifiers: Orphanet 552, MedGen C0342276, MONDO:0018911, HP:0004904.
Transitory neonatal diabetes mellitus. Also called: Transient neonatal diabetes mellitus. Identifiers: MedGen C0342273, MONDO:0020525, HP:0008255.

Allele frequency attached by ClinVar (database versions not stated): gnomAD 0.00002 and 0.00006; gnomAD exomes 0.00006 and 0.00016; TOPMed 0.00009; ExAC 0.00020; 1000 Genomes Project 0.00040; 1000 Genomes Project 30x 0.00047.
gnomAD v4.1: 96 of 1,614,226 alleles (0.0059%); highest among the groups gnomAD compares: East Asian, 0.049%; no homozygotes.

Submissions (4):

Women's Health and Genetics/Laboratory Corporation of America, LabCorp
Classification: Likely benign. Last evaluated: 2026-03-23. Review status: criteria provided, single submitter. Criteria: LabCorp Variant Classification Summary - May 2015. Collection method: clinical testing. Allele origin: germline.

Labcorp Genetics (formerly Invitae), Labcorp
Classification: Likely benign. Last evaluated: 2025-07-08. Review status: criteria provided, single submitter. Criteria: Invitae Variant Classification Sherloc (09022015). Collection method: clinical testing. Allele origin: germline.

Clinical Genomics, Uppaluri K&H Personalized Medicine Clinic
Classification: Uncertain significance for Maturity-onset diabetes of the young. Review status: criteria provided, single submitter. Criteria: K & H Uppaluri Personalized Medicine Clinic Variant Classification & Assertion Criteria_Updated V.1. Collection method: research. Allele origin: unknown. Inheritance: Somatic mutation.
Comment: Mutations in ABCC8 gene are associated with both neonatal diabetes mellitus as well as MODY. Patients with this mutation may have a better response to sulfonylureas. However, no sufficient evidence is found to ascertain the role of this particular variant ( rs569222899) in MODY yet.

Clinical Genomics, Uppaluri K&H Personalized Medicine Clinic
Classification: Uncertain significance for Transitory neonatal diabetes mellitus. Review status: criteria provided, single submitter. Criteria: K & H Uppaluri Personalized Medicine Clinic Variant Classification & Assertion Criteria_Updated V.1. Collection method: research. Allele origin: unknown.
Comment: Mutations in ABCC8 gene are associated with both neonatal diabetes mellitus as well as MODY. Patients with this mutation may have a better response to sulfonylureas. However, no sufficient evidence is found to ascertain the role of this particular variant ( rs569222899) in neonatal diabetes yet.

Literature cited by the submitters: PubMed 16885549 (cited by Clinical Genomics, Uppaluri K&H Personalized Medicine Clinic); PubMed 21989597 (cited by Clinical Genomics, Uppaluri K&H Personalized Medicine Clinic); PubMed 27538677 (cited by Clinical Genomics, Uppaluri K&H Personalized Medicine Clinic); PubMed 18981553 (cited by Clinical Genomics, Uppaluri K&H Personalized Medicine Clinic); PubMed 32027066 (cited by Clinical Genomics, Uppaluri K&H Personalized Medicine Clinic); PubMed 16613899 (cited by Clinical Genomics, Uppaluri K&H Personalized Medicine Clinic); PubMed 18025408 (cited by Clinical Genomics, Uppaluri K&H Personalized Medicine Clinic); PubMed 32792356 (cited by Clinical Genomics, Uppaluri K&H Personalized Medicine Clinic).